The following is an entry in ClinVar:

NM_001042492.3(NF1):c.482T>C (p.Leu161Ser)

Gene: NF1 (neurofibromin 1; plus strand). Cytogenetic location: 17q11.2.
Variant type: single nucleotide variant.
Coding change: c.482T>C on transcript NM_001042492.3 (MANE Select); coding-DNA position 482, T replaced by C.
Protein change: p.Leu161Ser; replaces leucine 161 with serine.
Molecular consequence: missense variant.
Genome position (GRCh38, 1-based): chr17:31,169,893, T>C. VCF-style: chr17-31169893-T-C. GRCh37 (hg19) VCF-style: chr17-29496911-T-C.
Other names: c.482T>C, p.Leu161Ser (NM_000267.4, NM_001128147.3); short protein forms L161S.
Identifiers: ClinVar variation 1712541 (VCV001712541.3), dbSNP rs2544718655, ClinGen allele CA398984651.

ClinVar aggregate classification (germline): Uncertain significance (1 of 4 stars; one submission).

Submission:

GeneDx
Classification: Uncertain significance. Last evaluated: 2026-10-06. Review status: criteria provided, single submitter. Criteria: GeneDx Variant Classification Process June 2021. Collection method: clinical testing. Allele origin: germline.
Comment: Not observed at significant frequency in large population cohorts (gnomAD); In silico analysis supports that this missense variant has a deleterious effect on protein structure/function; Has not been previously published as pathogenic or benign to our knowledge